The following is an entry in ClinVar:

ClinVar aggregate classification (germline): Uncertain significance (1 of 4 stars; one submission).

Submission:

Labcorp Genetics (formerly Invitae), Labcorp
Classification: Uncertain significance. Last evaluated: 2026-01-05. Review status: criteria provided, single submitter. Criteria: Invitae Variant Classification Sherloc (09022015). Collection method: clinical testing. Allele origin: germline.
Comment: This sequence change replaces glycine, which is neutral and non-polar, with aspartic acid, which is acidic and polar, at codon 780 of the WFS1 protein (p.Gly780Asp). This variant is not present in population databases (gnomAD no frequency). This variant has not been reported in the literature in individuals affected with WFS1-related conditions. ClinVar contains an entry for this variant (Variation ID: 2748335). Invitae Evidence Modeling of protein sequence and biophysical properties (such as structural, functional, and spatial information, amino acid conservation, physicochemical variation, residue mobility, and thermodynamic stability) has been performed for this missense variant. However, the output from this modeling did not meet the statistical confidence thresholds required to predict the impact of this variant on WFS1 protein function. In summary, the available evidence is currently insufficient to determine the role of this variant in disease. Therefore, it has been classified as a Variant of Uncertain Significance.

NM_006005.3(WFS1):c.2339G>A (p.Gly780Asp)

Gene: WFS1 (wolframin ER transmembrane glycoprotein; plus strand). Cytogenetic location: 4p16.1.
Variant type: single nucleotide variant.
Coding change: c.2339G>A on transcript NM_006005.3 (MANE Select); coding-DNA position 2339, G replaced by A.
Protein change: p.Gly780Asp; replaces glycine 780 with aspartic acid.
Molecular consequence: missense variant.
Genome position (GRCh38, 1-based): chr4:6,302,134, G>A. VCF-style: chr4-6302134-G-A. GRCh37 (hg19) VCF-style: chr4-6303861-G-A.
Other names: c.2339G>A, p.Gly780Asp (NM_001145853.1); short protein forms G780D.
Identifiers: ClinVar variation 2748335 (VCV002748335.3), dbSNP rs2474196868, ClinGen allele CA356178394.